The following is an entry in ClinVar:

ClinVar aggregate classification (germline): Likely pathogenic (1 of 4 stars; one submission).

Conditions:
Sotos syndrome (SOTOS). Also called: CHROMOSOME 5q35 DELETION SYNDROME; SOTOS SYNDROME 1; CEREBRAL GIGANTISM; Sotos' syndrome; Distinctive facial appearance, overgrowth in childhood, and learning disabilities or delayed development. Identifiers: Orphanet 821, MedGen C0175695, MONDO:0019349, OMIM 117550.

Submission:

3billion
Classification: Likely pathogenic for Sotos syndrome. Last evaluated: 2023-08-14. Review status: criteria provided, single submitter. Criteria: ACMG Guidelines, 2015. Collection method: clinical testing. Allele origin: germline. Affected: yes.
Comment: The variant is not observed in the gnomAD v2.1.1 dataset. Predicted Consequence/Location: Frameshift: predicted to result in a loss or disruption of normal protein function through nonsense-mediated decay (NMD) or protein truncation. Multiple pathogenic variants are reported downstream of the variant. Therefore, this variant is classified as Likely pathogenic according to the recommendation of ACMG/AMP guideline.

NM_022455.5(NSD1):c.6332_6341del (p.Gly2111fs)

Gene: NSD1 (nuclear receptor binding SET domain protein 1; plus strand). Cytogenetic location: 5q35.3.
Variant type: Deletion.
Coding change: c.6332_6341del on transcript NM_022455.5 (MANE Select); coding-DNA positions 6332 to 6341, 10 bases deleted (GTGAAATCAC; older notation c.6332_6341delGTGAAATCAC).
Protein change: p.Gly2111fs; shifts the reading frame from glycine 2111.
Molecular consequence: frameshift variant.
Genome position (GRCh38, 1-based): chr5:177,292,027-177,292,036, GTGAAATCAC deleted. VCF-style (leftmost placement, unchanged base first): chr5-177292026-GGTGAAATCAC-G. GRCh37 (hg19) VCF-style: chr5-176719027-GGTGAAATCAC-G.
Other names: c.6332_6341del, p.Gly2111fs (NM_001409303.1, NM_001409301.1, NM_001409302.1); c.5912_5921del, p.Gly1971fs (NM_001409304.1); c.5579_5588del, p.Gly1860fs (NM_001409305.1); c.5570_5579del, p.Gly1857fs (NM_001409306.1, NM_001409307.1); c.5459_5468del, p.Gly1820fs (NM_001409308.1, NM_172349.5, NM_001365684.2); c.5210_5219del, p.Gly1737fs (NM_001409309.1); short protein forms G1737fs, G1820fs, G1857fs, G1860fs, G1971fs, G2111fs.
Identifiers: ClinVar variation 3776023 (VCV003776023.1).
Genomic context (GRCh38, chr5:177,292,026, plus strand): 5'-GCCACGGAAGAAAAGTCAAAGAAATTCAAGAAGAAGCAACAGGGAAAGCGCAGGACCCAG[GGTGAAATCAC>G]AAAGGAGCGAGAAGATGAGTGTTTTAGTTGTGGGGATGCTGGCCAGCTCGTCTCCTGCAA-3'